The following is an entry in ClinVar:

NM_001384474.1(LOXHD1):c.1362del (p.Arg455fs)

Gene: LOXHD1 (lipoxygenase homology PLAT domains 1; minus strand). Cytogenetic location: 18q21.1.
Variant type: Deletion.
Coding change: c.1362del on transcript NM_001384474.1 (MANE Select); coding-DNA position 1362, one base deleted (G; older notation c.1362delG).
Protein change: p.Arg455fs; shifts the reading frame from arginine 455.
Molecular consequence: frameshift variant.
Genome position (GRCh38, 1-based): chr18:46,593,669, C deleted on the plus strand (G on the coding strand, the reverse complement: LOXHD1 is on the minus strand); the first of 4 consecutive C bases (chr18:46,593,669-46,593,672); deleting any one gives the same sequence. VCF-style (leftmost placement, unchanged base first): chr18-46593668-GC-G. GRCh37 (hg19) VCF-style: chr18-44173631-GC-G.
Other names: c.1362del, p.Arg455fs (NM_144612.7); short protein forms R455fs.
Identifiers: ClinVar variation 5004136 (VCV005004136.1).
Genomic context (GRCh38, chr18:46,593,668, plus strand): 5'-TCTCGATTATGCCGGGTTTGAACCACTTGTTGTTGGGATTCAGGAGAATCTCATCTGTCC[GC>G]CCCTTCTGCCCATAAATCTGGATGAAGATGGGAGAGTTGGTACCAGCTTTCTTTAGGTCG-3'

ClinVar aggregate classification (germline): Pathogenic (1 of 4 stars; one submission).

Conditions:
Autosomal recessive nonsyndromic hearing loss 77. Identifiers: Orphanet 90636, MedGen C2746083, MONDO:0013119, OMIM 613079.

Submission:

Myriad Genetics, Inc.
Classification: Pathogenic for Autosomal recessive nonsyndromic hearing loss 77. Last evaluated: 2025-08-26. Review status: criteria provided, single submitter. Criteria: Myriad Autosomal Dominant, Autosomal Recessive and X-Linked Classification Criteria (2023). Collection method: clinical testing. Allele origin: unknown.
Comment: NM_144612.6(LOXHD1):c.1362delG(R455Gfs*7) is a frameshift variant classified as pathogenic in the context of nonsyndromic hearing loss, LOXHD1-related. R455Gfs*7 has been observed in a case with relevant disease (PMID: 35711932). Relevant functional assessments of this variant are not available in the literature. R455Gfs*7 has not been observed in referenced population frequency databases. In summary, NM_144612.6(LOXHD1):c.1362delG(R455Gfs*7) is frameshift variant in a gene where loss of function is a known mechanism of disease, is predicted to disrupt protein function, and has been observed more frequently in cases with the relevant disease than in healthy populations. Please note: this variant was assessed in the context of healthy population screening.

Literature cited by the submitters: PubMed 35711932.